The following is an entry in ClinVar:

ClinVar aggregate classification (germline): Conflicting classifications of pathogenicity. Review status: criteria provided, conflicting classifications (1 of 4 stars). 6 submissions from 6 submitters: Uncertain significance (3); Likely benign (3). Last evaluated 2025-08-28.

Conditions:
Tuberous sclerosis 2 (TSC2). Identifiers: Orphanet 805, MedGen C1860707, MONDO:0013199, OMIM 613254.
Hereditary cancer-predisposing syndrome. Also called: Neoplastic Syndromes, Hereditary; Hereditary Cancer Syndrome; Tumor predisposition; Hereditary neoplastic syndrome. Identifiers: Orphanet 140162, MedGen C0027672, MeSH D009386, MONDO:0015356.

Allele frequency attached by ClinVar (database versions not stated): gnomAD exomes below 0.00001 and 0.00001; ExAC 0.00001; gnomAD 0.00001; TOPMed 0.00002.
gnomAD v4.1: 5 of 1,613,936 alleles (0.00031%); highest among the groups gnomAD compares: Admixed American, 0.0067%; no homozygotes.

Submissions (6):

Labcorp Genetics (formerly Invitae), Labcorp
Classification: Likely benign for Tuberous sclerosis 2. Last evaluated: 2025-08-28. Review status: criteria provided, single submitter. Criteria: Invitae Variant Classification Sherloc (09022015). Collection method: clinical testing. Allele origin: germline.

Quest Diagnostics Nichols Institute San Juan Capistrano
Classification: Uncertain significance. Last evaluated: 2025-06-13. Review status: criteria provided, single submitter. Criteria: Quest Diagnostics criteria. Collection method: clinical testing. Allele origin: unknown.

Ambry Genetics
Classification: Uncertain significance for Hereditary cancer-predisposing syndrome. Last evaluated: 2024-08-23. Review status: criteria provided, single submitter. Criteria: Ambry Variant Classification Scheme 2023. Collection method: clinical testing. Allele origin: germline.
Comment: The p.T36A variant (also known as c.106A>G), located in coding exon 1 of the TSC2 gene, results from an A to G substitution at nucleotide position 106. The threonine at codon 36 is replaced by alanine, an amino acid with similar properties. This amino acid position is well conserved in available vertebrate species. In addition, the in silico prediction for this alteration is inconclusive. Since supporting evidence is limited at this time, the clinical significance of this alteration remains unclear.

St. Jude Molecular Pathology, St. Jude Children's Research Hospital
Classification: Uncertain significance for Tuberous sclerosis 2. Last evaluated: 2023-06-22. Review status: criteria provided, single submitter. Criteria: St. Jude Assertion Criteria 2020. Collection method: clinical testing. Allele origin: germline.
Comment: The TSC2 c.106A>G (p.Thr36Ala) missense change has a maximum subpopulation frequency of 0.0058% in gnomAD v2.1.1. The in silico tool REVEL predicts a benign effect on protein function, but to our knowledge this prediction has not been confirmed by functional studies. To our knowledge, this variant has not been reported in individuals with tuberous sclerosis complex. In summary, the evidence currently available is insufficient to determine the clinical significance of this variant. It has therefore been classified as of uncertain significance.

Genome-Nilou Lab
Classification: Likely benign for Tuberous sclerosis 2. Last evaluated: 2021-11-07. Review status: criteria provided, single submitter. Criteria: ACMG Guidelines, 2015. Collection method: clinical testing. Allele origin: germline. Affected: no.

GeneDx
Classification: Likely benign. Last evaluated: 2013-04-03. Review status: criteria provided, single submitter. Criteria: GeneDx Variant Classification (06012015). Collection method: clinical testing. Allele origin: germline. Affected: yes.
Comment: This variant is considered likely benign or benign based on one or more of the following criteria: it is a conservative change, it occurs at a poorly conserved position in the protein, it is predicted to be benign by multiple in silico algorithms, and/or has population frequency not consistent with disease.

NM_000548.5(TSC2):c.106A>G (p.Thr36Ala)

Gene: TSC2 (TSC complex subunit 2; plus strand). Cytogenetic location: 16p13.3.
Variant type: single nucleotide variant.
Coding change: c.106A>G on transcript NM_000548.5 (MANE Select); coding-DNA position 106, A replaced by G.
Protein change: p.Thr36Ala; replaces threonine 36 with alanine.
Molecular consequence: missense variant. On other transcripts: 5 prime UTR variant (1), intron variant (1).
Genome position (GRCh38, 1-based): chr16:2,048,721, A>G. VCF-style: chr16-2048721-A-G. GRCh37 (hg19) VCF-style: chr16-2098722-A-G.
Other names: p.T36A:ACG>GCG; c.106A>G, p.Thr36Ala (NM_001077183.3, NM_001114382.3, NM_001318827.2 and 4 more transcripts); c.-121A>G (NM_001318831.2); c.139A>G, p.Thr47Ala (NM_001318832.2); c.-10+656A>G (NM_001318829.2); short protein forms T36A, T47A.
Identifiers: ClinVar variation 207655 (VCV000207655.21), dbSNP rs757113497, ClinGen allele CA028094.
Genomic context (GRCh38, chr16:2,048,721, plus strand): 5'-AAGATTCTGTTGGGACTGGGAACACCGAGGCCAAATCCCAGGTCTGCAGAGGGTAAACAG[A>G]CGGAGTTTATCATCACCGCGGAAATACTGAGAGTGAGTGAGCTACCTGTGTCTTTGCTAG-3'
Protein context (NP_000539.2, residues 26-46): PNPRSAEGKQ[Thr36Ala]EFIITAEILR